The following is an entry in ClinVar:

ClinVar aggregate classification (germline): Uncertain significance (1 of 4 stars; one submission).

Allele frequency attached by ClinVar (database versions not stated): gnomAD exomes below 0.00001; gnomAD 0.00001; ExAC 0.00002; 1000 Genomes Project 30x 0.00016; 1000 Genomes Project 0.00020.
gnomAD v4.1: 5 of 1,613,354 alleles (0.00031%); highest among the groups gnomAD compares: South Asian, 0.0055%; no homozygotes.

Submission:

Women's Health and Genetics/Laboratory Corporation of America, LabCorp
Classification: Uncertain significance. Last evaluated: 2023-08-09. Review status: criteria provided, single submitter. Criteria: LabCorp Variant Classification Summary - May 2015. Collection method: clinical testing. Allele origin: germline.
Comment: Variant summary: LRPPRC c.1627A>G (p.Ser543Gly) results in a non-conservative amino acid change in the encoded protein sequence. Three of five in-silico tools predict a benign effect of the variant on protein function. The variant allele was found at a frequency of 1.2e-05 in 251334 control chromosomes (gnomAD). The available data on variant occurrences in the general population are insufficient to allow any conclusion about variant significance. To our knowledge, no occurrence of c.1627A>G in individuals affected with Leigh Syndrome, French-Canadian Type and no experimental evidence demonstrating its impact on protein function have been reported. No submitters have cited clinical-significance assessments for this variant to ClinVar after 2014. Based on the evidence outlined above, the variant was classified as uncertain significance.

NM_133259.4(LRPPRC):c.1627A>G (p.Ser543Gly)

Genes: LRPPRC (leucine rich pentatricopeptide repeat containing; minus strand), LOC129388857 (MPRA-validated peak3685 silencer; plus strand). Cytogenetic location: 2p21.
Variant type: single nucleotide variant.
Coding change: c.1627A>G on transcript NM_133259.4 (MANE Select); coding-DNA position 1627, A replaced by G.
Protein change: p.Ser543Gly; replaces serine 543 with glycine.
Molecular consequence: missense variant.
Genome position (GRCh38, 1-based): chr2:43,957,407, T>C on the plus strand (A>G on the coding strand, the complement: LRPPRC is on the minus strand). VCF-style: chr2-43957407-T-C. GRCh37 (hg19) VCF-style: chr2-44184546-T-C.
Other names: short protein forms S543G.
Identifiers: ClinVar variation 2581615 (VCV002581615.1), dbSNP rs537472554, ClinGen allele CA1638876.